The following is an entry in ClinVar:

NM_000051.4(ATM):c.9144T>A (p.Leu3048=)

Genes: ATM (ATM serine/threonine kinase; plus strand), C11orf65 (chromosome 11 open reading frame 65; minus strand). Cytogenetic location: 11q22.3.
Variant type: single nucleotide variant.
Coding change: c.9144T>A on transcript NM_000051.4 (MANE Select); coding-DNA position 9144, T replaced by A.
Protein change: p.Leu3048=; no amino-acid change (leucine 3048 retained).
Molecular consequence: synonymous variant. On other transcripts: intron variant (2).
Genome position (GRCh38, 1-based): chr11:108,365,481, T>A. VCF-style: chr11-108365481-T-A. GRCh37 (hg19) VCF-style: chr11-108236208-T-A.
Other names: c.9144T>A, p.Leu3048= (NM_001351834.2); c.640+20439A>T (NM_001330368.2); c.694+20439A>T (NM_001351110.2).
Identifiers: ClinVar variation 1125088 (VCV001125088.12), dbSNP rs2137927802, ClinGen allele CA476745304.

ClinVar aggregate classification (germline): Benign/Likely benign. Review status: criteria provided, multiple submitters, no conflicts (2 of 4 stars). 3 submissions from 3 submitters: Benign (1); Likely benign (2). Last evaluated 2024-06-25.

Conditions:
Hereditary cancer-predisposing syndrome. Also called: Neoplastic Syndromes, Hereditary; Tumor predisposition; Hereditary Cancer Syndrome; Hereditary neoplastic syndrome. Identifiers: Orphanet 140162, MedGen C0027672, MeSH D009386, MONDO:0015356.
Ataxia-telangiectasia syndrome (AT). Also called: Ataxia telangiectasia (A-T); ATAXIA-TELANGIECTASIA, COMPLEMENTATION GROUP A; ATAXIA-TELANGIECTASIA, FRESNO VARIANT; Ataxia-telangiectasia; Ataxia-telangiectasia, complementation group E; LOUIS-BAR SYNDROME. Identifiers: Orphanet 100, MedGen C0004135, MONDO:0008840, OMIM 208900.
Familial cancer of breast. Also called: Hereditary breast cancer; hereditary breast carcinoma; BREAST CANCER, FAMILIAL. Identifiers: Orphanet 227535, MedGen C0346153, MONDO:0016419, OMIM 114480. Disease mechanism: loss of function.

Submissions (3):

Myriad Genetics, Inc.
Classification: Benign for Familial cancer of breast. Last evaluated: 2024-06-25. Review status: criteria provided, single submitter. Criteria: Myriad Autosomal Dominant, Autosomal Recessive and X-Linked Classification Criteria (2023). Collection method: clinical testing. Allele origin: unknown.
Comment: This variant is considered benign. This variant is a silent/synonymous amino acid change and it is not expected to impact splicing.

Labcorp Genetics (formerly Invitae), Labcorp
Classification: Likely benign for Ataxia-telangiectasia syndrome. Last evaluated: 2022-10-22. Review status: criteria provided, single submitter. Criteria: Invitae Variant Classification Sherloc (09022015). Collection method: clinical testing. Allele origin: germline.

Ambry Genetics
Classification: Likely benign for Hereditary cancer-predisposing syndrome. Last evaluated: 2019-09-14. Review status: criteria provided, single submitter. Criteria: Ambry Variant Classification Scheme 2023. Collection method: clinical testing. Allele origin: germline.